The following is an entry in ClinVar:

NM_000278.5(PAX2):c.190T>C (p.Cys64Arg)

Gene: PAX2 (paired box 2; plus strand). Cytogenetic location: 10q24.31.
Variant type: single nucleotide variant.
Coding change: c.190T>C on transcript NM_000278.5 (MANE Select); coding-DNA position 190, T replaced by C.
Protein change: p.Cys64Arg; replaces cysteine 64 with arginine.
Molecular consequence: missense variant.
Genome position (GRCh38, 1-based): chr10:100,749,892, T>C. VCF-style: chr10-100749892-T-C. GRCh37 (hg19) VCF-style: chr10-102509649-T-C.
Other names: c.283T>C, p.Cys95Arg (NM_001304569.2); c.190T>C, p.Cys64Arg (NM_003987.5, NM_003988.5, NM_003989.5 and 1 more transcripts); short protein forms C64R, C95R.
Identifiers: ClinVar variation 3235023 (VCV003235023.1), dbSNP rs2492893667, ClinGen allele CA378257715.
Genomic context (GRCh38, chr10:100,749,892, plus strand): 5'-CTGGCCCACCAGGGTGTGCGGCCCTGTGACATCTCCCGGCAGCTGCGGGTCAGCCACGGC[T>C]GTGTCAGCAAAATCCTGGGCAGGTGAGGGCTTCGCAGCTGTCCCGGGAGACGCCTTGCCT-3'
Protein context (NP_000269.3, residues 54-74): ISRQLRVSHG[Cys64Arg]VSKILGRYYE

ClinVar aggregate classification (germline): Uncertain significance (1 of 4 stars; one submission).

Conditions:
Renal coloboma syndrome (PAPRS). Also called: PAPILLORENAL SYNDROME; CONGENITAL ANOMALIES OF THE KIDNEY AND URINARY TRACT WITH OR WITHOUT OCULAR ABNORMALITIES; CAKUT WITH OR WITHOUT OCULAR ABNORMALITIES; PAPILLORENAL SYNDROME WITH MILD OCULAR ABNORMALITIES; COLOBOMA OF OPTIC NERVE WITH RENAL DISEASE; OPTIC COLOBOMA, VESICOURETERAL REFLUX, AND RENAL ANOMALIES. Identifiers: Orphanet 1475, MedGen C1852759, MONDO:0007352, OMIM 120330.

Submission:

Neuberg Centre For Genomic Medicine, NCGM
Classification: Uncertain significance for Renal coloboma syndrome. Review status: criteria provided, single submitter. Criteria: ACMG Guidelines, 2015. Collection method: clinical testing. Allele origin: germline. Inheritance: Autosomal dominant inheritance. Affected: yes.
Comment: The missense variant c.190T>Cp.Cys64Arg in PAX2 gene has not been reported previously as a pathogenic variant nor as a benign variant, to our knowledge. The variant is absent in gnomAD and 1000 Genomes. The amino acid Cystiene at position 64 is changed to a Arginine changing protein sequence and it might alter its composition and physico-chemical properties. The variant is predicted to be damaging by SIFT. The amino acid change p.Cys64Arg in PAX2 is predicted as conserved by GERP++ and PhyloP across 100 vertebrates. For these reasons, this variant has been classified as Uncertain Significance.